The following is an entry in ClinVar:

ClinVar aggregate classification (germline): Likely benign. Review status: criteria provided, single submitter (1 of 4 stars). 2 submissions from 2 submitters: Likely benign (1). 1 of the submissions does not count toward it. Last evaluated 2025-12-21.

Conditions:
LRRC56-related disorder. Also called: LRRC56-related condition.

Allele frequency attached by ClinVar (database versions not stated): gnomAD exomes 0.00002; gnomAD 0.00019; TOPMed 0.00025.
gnomAD v4.1: 76 of 1,611,160 alleles (0.0047%); highest among the groups gnomAD compares: Admixed American, 0.052%; no homozygotes.

Submissions (2):

Labcorp Genetics (formerly Invitae), Labcorp
Classification: Likely benign. Last evaluated: 2025-12-21. Review status: criteria provided, single submitter. Criteria: Invitae Variant Classification Sherloc (09022015). Collection method: clinical testing. Allele origin: germline.

PreventionGenetics, part of Exact Sciences
Classification: Likely benign for LRRC56-related condition. Last evaluated: 2023-10-03. Review status: no assertion criteria provided. Collection method: clinical testing. Allele origin: germline. Not counted in ClinVar's aggregate classification.
Comment: This variant is classified as likely benign based on ACMG/AMP sequence variant interpretation guidelines (Richards et al. 2015 PMID: 25741868, with internal and published modifications).

NM_198075.4(LRRC56):c.1323C>T (p.Ser441=)

Gene: LRRC56 (leucine rich repeat containing 56; plus strand). Cytogenetic location: 11p15.5.
Variant type: single nucleotide variant.
Coding change: c.1323C>T on transcript NM_198075.4 (MANE Select); coding-DNA position 1323, C replaced by T.
Protein change: p.Ser441=; no amino-acid change (serine 441 retained).
Molecular consequence: synonymous variant.
Genome position (GRCh38, 1-based): chr11:553,970, C>T. VCF-style: chr11-553970-C-T. GRCh37 (hg19) VCF-style: chr11-553970-C-T.
Other names: c.1323C>T (NM_198075.3).
Identifiers: ClinVar variation 1628226 (VCV001628226.10), dbSNP rs923216565, ClinGen allele CA216898741.